The following is an entry in ClinVar:

ClinVar aggregate classification (germline): Pathogenic. Review status: criteria provided, multiple submitters, no conflicts (2 of 4 stars). 2 submissions from 2 submitters: Pathogenic (2). Last evaluated 2024-12-23.

Conditions:
Neurofibromatosis, type 1 (NF1). Also called: VON RECKLINGHAUSEN DISEASE; NEUROFIBROMATOSIS, TYPE I, SOMATIC; Peripheral type neurofibromatosis; Neurofibromatosis, type I. Identifiers: Orphanet 636, MedGen C0027831, MONDO:0018975, OMIM 162200. Disease mechanism: loss of function.

Submissions (2):

Labcorp Genetics (formerly Invitae), Labcorp
Classification: Pathogenic for Neurofibromatosis, type 1. Last evaluated: 2024-12-23. Review status: criteria provided, single submitter. Criteria: Invitae Variant Classification Sherloc (09022015). Collection method: clinical testing. Allele origin: germline.
Comment: This sequence change creates a premature translational stop signal (p.Gln1370Argfs*15) in the NF1 gene. It is expected to result in an absent or disrupted protein product. Loss-of-function variants in NF1 are known to be pathogenic (PMID: 10712197, 23913538). This variant is not present in population databases (gnomAD no frequency). This premature translational stop signal has been observed in individual(s) with neurofibromatosis type 1 (PMID: 23913538). ClinVar contains an entry for this variant (Variation ID: 657584). For these reasons, this variant has been classified as Pathogenic.

GeneDx
Classification: Pathogenic. Last evaluated: 2023-12-19. Review status: criteria provided, single submitter. Criteria: GeneDx Variant Classification Process June 2021. Collection method: clinical testing. Allele origin: germline. Affected: yes.
Comment: Frameshift variant demonstrated to result in protein truncation or nonsense mediated decay in a gene for which loss of function is a known mechanism of disease (PMID: 23913538); Not observed at significant frequency in large population cohorts (gnomAD); This variant is associated with the following publications: (PMID: 23913538)

Literature cited by the submitters: PubMed 10712197 (cited by Labcorp Genetics (formerly Invitae), Labcorp); PubMed 23913538 (cited by Labcorp Genetics (formerly Invitae), Labcorp).

NM_001042492.3(NF1):c.4108del (p.Gln1370fs)

Gene: NF1 (neurofibromin 1; plus strand). Cytogenetic location: 17q11.2.
Variant type: Deletion.
Coding change: c.4108del on transcript NM_001042492.3 (MANE Select); coding-DNA position 4108, one base deleted (C; older notation c.4108delC).
Protein change: p.Gln1370fs; shifts the reading frame from glutamine 1370.
Molecular consequence: frameshift variant.
Genome position (GRCh38, 1-based): chr17:31,249,117, C deleted; the last of 2 consecutive C bases (chr17:31,249,116-31,249,117); deleting either gives the same sequence. VCF-style (leftmost placement, unchanged base first): chr17-31249115-AC-A. GRCh37 (hg19) VCF-style: chr17-29576133-AC-A.
Other names: c.4108delC (NM_000267.3); c.4108delC, p.Gln1370Argfs (NM_000267.4); short protein forms Q1370fs.
Identifiers: ClinVar variation 657584 (VCV000657584.6), dbSNP rs1597735273, ClinGen allele CA658761097.